The following is an entry in ClinVar:

NM_005529.7(HSPG2):c.9580G>T (p.Ala3194Ser)

Gene: HSPG2 (heparan sulfate proteoglycan 2; minus strand). Cytogenetic location: 1p36.12.
Variant type: single nucleotide variant.
Coding change: c.9580G>T on transcript NM_005529.7 (MANE Select); coding-DNA position 9580, G replaced by T.
Protein change: p.Ala3194Ser; replaces alanine 3194 with serine.
Molecular consequence: missense variant.
Genome position (GRCh38, 1-based): chr1:21,839,951, C>A on the plus strand (G>T on the coding strand, the complement: HSPG2 is on the minus strand). VCF-style: chr1-21839951-C-A. GRCh37 (hg19) VCF-style: chr1-22166444-C-A.
Other names: c.9583G>T, p.Ala3195Ser (NM_001291860.2); c.9580G>T (NM_005529.5); short protein forms A3194S, A3195S.
Identifiers: ClinVar variation 1973700 (VCV001973700.6), dbSNP rs753871530, ClinGen allele CA670396.

ClinVar aggregate classification (germline): Uncertain significance. Review status: criteria provided, multiple submitters, no conflicts (2 of 4 stars). 2 submissions from 2 submitters: Uncertain significance (2). Last evaluated 2025-10-23.

Conditions:
Inborn genetic diseases. Identifiers: MedGen C0950123, MeSH D030342.

Allele frequency attached by ClinVar (database versions not stated): ExAC 0.00001.
gnomAD v4.1: 8 of 1,614,156 alleles (0.0005%); highest among the groups gnomAD compares: Non-Finnish European, 0.00068%; no homozygotes.

Submissions (2):

Ambry Genetics
Classification: Uncertain significance for Inborn genetic diseases. Last evaluated: 2025-10-23. Review status: criteria provided, single submitter. Criteria: Ambry Variant Classification Scheme 2023. Collection method: clinical testing. Allele origin: germline.

Labcorp Genetics (formerly Invitae), Labcorp
Classification: Uncertain significance. Last evaluated: 2024-10-24. Review status: criteria provided, single submitter. Criteria: Invitae Variant Classification Sherloc (09022015). Collection method: clinical testing. Allele origin: germline.
Comment: This sequence change replaces alanine, which is neutral and non-polar, with serine, which is neutral and polar, at codon 3194 of the HSPG2 protein (p.Ala3194Ser). This variant is present in population databases (rs753871530, gnomAD 0.003%). This variant has not been reported in the literature in individuals affected with HSPG2-related conditions. ClinVar contains an entry for this variant (Variation ID: 1973700). An algorithm developed to predict the effect of missense changes on protein structure and function (PolyPhen-2) suggests that this variant is likely to be tolerated. In summary, the available evidence is currently insufficient to determine the role of this variant in disease. Therefore, it has been classified as a Variant of Uncertain Significance.